The following is an entry in ClinVar:

ClinVar aggregate classification (germline): Pathogenic (1 of 4 stars; one submission).

Submission:

Labcorp Genetics (formerly Invitae), Labcorp
Classification: Pathogenic. Last evaluated: 2024-03-05. Review status: criteria provided, single submitter. Criteria: Invitae Variant Classification Sherloc (09022015). Collection method: clinical testing. Allele origin: germline.
Comment: This sequence change creates a premature translational stop signal (p.Ser105Valfs*21) in the CHM gene. It is expected to result in an absent or disrupted protein product. Loss-of-function variants in CHM are known to be pathogenic (PMID: 9067750, 23811034). This variant is not present in population databases (gnomAD no frequency). This variant has not been reported in the literature in individuals affected with CHM-related conditions. For these reasons, this variant has been classified as Pathogenic.

Literature cited by the submitters: PubMed 9067750; PubMed 23811034.

NM_000390.4(CHM):c.312del (p.Ser105fs)

Gene: CHM (CHM Rab escort protein; minus strand). Cytogenetic location: Xq21.2.
Variant type: Deletion.
Coding change: c.312del on transcript NM_000390.4 (MANE Select); coding-DNA position 312, one base deleted (C; older notation c.312delC).
Protein change: p.Ser105fs; shifts the reading frame from serine 105.
Molecular consequence: frameshift variant. On other transcripts: 5 prime UTR variant (4).
Genome position (GRCh38, 1-based): chrX:85,978,769, G deleted on the plus strand (C on the coding strand, the reverse complement: CHM is on the minus strand); the first of 2 consecutive G bases (chrX:85,978,769-85,978,770); deleting either gives the same sequence. VCF-style (leftmost placement, unchanged base first): chrX-85978768-TG-T. GRCh37 (hg19) VCF-style: chrX-85233772-TG-T.
Other names: c.312del, p.Arg105fs (NM_001145414.4); c.-133del (NM_001320959.1, NM_001362517.1); c.-129del (NM_001362518.2, NM_001362519.1); short protein forms R105fs, S105fs.
Identifiers: ClinVar variation 3644662 (VCV003644662.2).
Genomic context (GRCh38, chrX:85,978,768, plus strand): 5'-TCTAAAGAAGAGTGAAAAAGTCATTAATTTAGTTTACCTGCAGTAAATACTTTTCATACC[TG>T]GCATAACAAAATACTTCCACATGTTGAATAGTTTTGTCCTTCCTGCTAAGAGCAATGGCT-3'